The following is an entry in ClinVar:

ClinVar aggregate classification (germline): Likely pathogenic. Review status: criteria provided, multiple submitters, no conflicts (2 of 4 stars). 2 submissions from 2 submitters: Likely pathogenic (2). Last evaluated 2026-02-13.

Conditions:
Autosomal recessive limb-girdle muscular dystrophy type 2J (LGMDR10). Also called: Limb-girdle muscular dystrophy, type 2J; MUSCULAR DYSTROPHY, LIMB-GIRDLE, AUTOSOMAL RECESSIVE 10. Identifiers: Orphanet 140922, MedGen C1837342, MONDO:0012127, OMIM 608807.
Dilated cardiomyopathy 1G (CMD1G). Identifiers: Orphanet 154, MedGen C1858763, MONDO:0011400, OMIM 604145.
Cardiovascular phenotype. Identifiers: MedGen CN230736.

Submissions (2):

Ambry Genetics
Classification: Likely pathogenic for Cardiovascular phenotype. Last evaluated: 2026-02-13. Review status: criteria provided, single submitter. Criteria: Ambry Variant Classification Scheme 2023. Collection method: clinical testing. Allele origin: germline.
Comment: The p.E20538* variant (also known as c.61612G>T), located in coding exon 159 of the TTN gene, results from a G to T substitution at nucleotide position 61612. This changes the amino acid from a glutamic acid to a stop codon within coding exon 159. This exon is located in the A-band region of the N2-B isoform of the titin protein and is constitutively expressed in TTN transcripts (percent spliced in or PSI 100%). This variant was reported in individual(s) with features consistent with dilated cardiomyopathy (Ambry internal data). This variant is considered to be rare based on population cohorts in the Genome Aggregation Database (gnomAD). This variant is expected to result in loss of function by premature protein truncation or nonsense-mediated mRNA decay. While truncating variants in TTN are present in 1-3% of the general population, truncating variants in the A-band are the most common cause of dilated cardiomyopathy (Herman DS et al. N. Engl. J. Med., 2012 Feb;366:619-28; Roberts AM et al. Sci Transl Med, 2015 Jan;7:270ra6). TTN truncating variants encoded in constitutive exons (PSI >90%) have been found to be significantly associated with DCM regardless of their position in titin (Schafer S et al. Nat. Genet., 2017 01;49:46-53; Akhtar MM et al. Circ Heart Fail, 2020 Oct;13:e006832; Massier M et al. Clin Genet, 2025 Jan). Based on the majority of available evidence to date, this variant is likely to be pathogenic.

Labcorp Genetics (formerly Invitae), Labcorp
Classification: Likely pathogenic for Dilated cardiomyopathy 1G; Autosomal recessive limb-girdle muscular dystrophy type 2J. Last evaluated: 2024-10-10. Review status: criteria provided, single submitter. Criteria: Invitae Variant Classification Sherloc (09022015). Collection method: clinical testing. Allele origin: germline.
Comment: This sequence change creates a premature translational stop signal (p.Glu29603*) in the TTN gene. While this is not anticipated to result in nonsense mediated decay, it is expected to create a truncated TTN protein. This variant is not present in population databases (gnomAD no frequency). This premature translational stop signal has been observed in individual(s) with dilated cardiomyopathy (internal data). This variant is located in the A band of TTN (PMID: 25589632). Truncating variants in this region are significantly overrepresented in patients affected with dilated cardiomyopathy (PMID: 25589632). Truncating variants in this region have also been reported in individuals affected with autosomal recessive centronuclear myopathy (PMID: 23975875). In summary, the currently available evidence indicates that the variant is pathogenic, but additional data are needed to prove that conclusively. Therefore, this variant has been classified as Likely Pathogenic.

Literature cited by the submitters: PubMed 25589632 (cited by Labcorp Genetics (formerly Invitae), Labcorp); PubMed 23975875 (cited by Labcorp Genetics (formerly Invitae), Labcorp).

NM_001267550.2(TTN):c.88807G>T (p.Glu29603Ter)

Genes: TTN (titin; minus strand), TTN-AS1 (TTN antisense RNA 1; plus strand). Cytogenetic location: 2q31.2.
Variant type: single nucleotide variant.
Coding change: c.88807G>T on transcript NM_001267550.2 (MANE Select); coding-DNA position 88807, G replaced by T.
Protein change: p.Glu29603Ter; replaces glutamic acid 29603 with a stop codon.
Molecular consequence: nonsense.
Genome position (GRCh38, 1-based): chr2:178,554,540, C>A on the plus strand (G>T on the coding strand, the complement: TTN is on the minus strand). VCF-style: chr2-178554540-C-A. GRCh37 (hg19) VCF-style: chr2-179419267-C-A.
Other names: c.83884G>T, p.Glu27962Ter (NM_001256850.1); c.61612G>T, p.Glu20538Ter (NM_003319.4); c.81103G>T, p.Glu27035Ter (NM_133378.4); c.61987G>T, p.Glu20663Ter (NM_133432.3); c.62188G>T, p.Glu20730Ter (NM_133437.4); short protein forms E20538*, E20663*, E20730*, E27035*, E27962*, E29603*.
Identifiers: ClinVar variation 3759208 (VCV003759208.3).